The following is an entry in ClinVar:

NM_206933.4(USH2A):c.4577G>T (p.Gly1526Val)

Gene: USH2A (usherin; minus strand). Cytogenetic location: 1q41.
Variant type: single nucleotide variant.
Coding change: c.4577G>T on transcript NM_206933.4 (MANE Select); coding-DNA position 4577, G replaced by T.
Protein change: p.Gly1526Val; replaces glycine 1526 with valine.
Molecular consequence: missense variant.
Genome position (GRCh38, 1-based): chr1:216,175,302, C>A on the plus strand (G>T on the coding strand, the complement: USH2A is on the minus strand). VCF-style: chr1-216175302-C-A. GRCh37 (hg19) VCF-style: chr1-216348644-C-A.
Other names: c.4577G>T, p.Gly1526Val (NM_007123.6); short protein forms G1526V.
Identifiers: ClinVar variation 2792394 (VCV002792394.3), dbSNP rs2527987231, ClinGen allele CA344863604.

ClinVar aggregate classification (germline): Likely pathogenic (1 of 4 stars; one submission).

Submission:

Labcorp Genetics (formerly Invitae), Labcorp
Classification: Likely pathogenic. Last evaluated: 2022-11-29. Review status: criteria provided, single submitter. Criteria: Invitae Variant Classification Sherloc (09022015). Collection method: clinical testing. Allele origin: germline.
Comment: This variant has not been reported in the literature in individuals affected with USH2A-related conditions. This variant is not present in population databases (gnomAD no frequency). This sequence change replaces glycine, which is neutral and non-polar, with valine, which is neutral and non-polar, at codon 1526 of the USH2A protein (p.Gly1526Val). In summary, the currently available evidence indicates that the variant is pathogenic, but additional data are needed to prove that conclusively. Therefore, this variant has been classified as Likely Pathogenic. This variant disrupts the p.Gly1526 amino acid residue in USH2A. Other variant(s) that disrupt this residue have been determined to be pathogenic (PMID: 25356976, 26310143, 30948794). This suggests that this residue is clinically significant, and that variants that disrupt this residue are likely to be disease-causing. Advanced modeling of protein sequence and biophysical properties (such as structural, functional, and spatial information, amino acid conservation, physicochemical variation, residue mobility, and thermodynamic stability) performed at Invitae indicates that this missense variant is expected to disrupt USH2A protein function.

Literature cited by the submitters: PubMed 25356976; PubMed 26310143; PubMed 30948794.